The following is an entry in ClinVar:

NM_005733.3(KIF20A):c.2485C>G (p.Arg829Gly)

Gene: KIF20A (kinesin family member 20A; plus strand). Cytogenetic location: 5q31.2.
Variant type: single nucleotide variant.
Coding change: c.2485C>G on transcript NM_005733.3 (MANE Select); coding-DNA position 2485, C replaced by G.
Protein change: p.Arg829Gly; replaces arginine 829 with glycine.
Molecular consequence: missense variant.
Genome position (GRCh38, 1-based): chr5:138,187,225, C>G. VCF-style: chr5-138187225-C-G. GRCh37 (hg19) VCF-style: chr5-137522914-C-G.
Other names: short protein forms R829G.
Identifiers: ClinVar variation 4733281 (VCV004733281.1).

ClinVar aggregate classification (germline): Uncertain significance (1 of 4 stars; one submission).

Submission:

Labcorp Genetics (formerly Invitae), Labcorp
Classification: Uncertain significance. Last evaluated: 2025-12-15. Review status: criteria provided, single submitter. Criteria: Invitae Variant Classification Sherloc (09022015). Collection method: clinical testing. Allele origin: germline.
Comment: This sequence change replaces arginine, which is basic and polar, with glycine, which is neutral and non-polar, at codon 829 of the KIF20A protein (p.Arg829Gly). This variant is not present in population databases (gnomAD no frequency). This variant has not been reported in the literature in individuals affected with KIF20A-related conditions. An algorithm developed to predict the effect of missense changes on protein structure and function (PolyPhen-2) suggests that this variant is likely to be disruptive. In summary, the available evidence is currently insufficient to determine the role of this variant in disease. Therefore, it has been classified as a Variant of Uncertain Significance.